The following is an entry in ClinVar:

NM_001126108.2(SLC12A3):c.1805_1806del (p.Tyr602fs)

Gene: SLC12A3 (solute carrier family 12 member 3; plus strand). Cytogenetic location: 16q13.
Variant type: Deletion.
Coding change: c.1805_1806del on transcript NM_001126108.2 (MANE Select); coding-DNA positions 1805 to 1806, 2 bases deleted (AT; older notation c.1805_1806delAT).
Protein change: p.Tyr602fs; shifts the reading frame from tyrosine 602.
Molecular consequence: frameshift variant.
Genome position (GRCh38, 1-based): chr16:56,884,184-56,884,185, AT deleted; deleting any 2 consecutive bases within chr16:56,884,183-56,884,185 gives the same sequence; the c. name uses the placement nearest the transcript's 3' end. VCF-style (leftmost placement, unchanged base first): chr16-56884182-CTA-C. GRCh37 (hg19) VCF-style: chr16-56918094-CTA-C.
Other names: c.1805_1806del, p.Tyr602fs (NM_000339.3); c.1802_1803del, p.Tyr601fs (NM_001126107.2); c.1805_1806del (NM_000339.2); short protein forms Y601fs, Y602fs.
Identifiers: ClinVar variation 1073479 (VCV001073479.14), dbSNP rs2144723594, ClinGen allele CA2499223597.

ClinVar aggregate classification (germline): Pathogenic/Likely pathogenic. Review status: criteria provided, multiple submitters, no conflicts (2 of 4 stars). 4 submissions from 4 submitters: Pathogenic (3); Likely pathogenic (1). Last evaluated 2025-11-05.

Conditions:
Familial hypokalemia-hypomagnesemia (GTLMNS). Also called: HYPOMAGNESEMIA-HYPOKALEMIA, PRIMARY RENOTUBULAR, WITH HYPOCALCIURIA; POTASSIUM AND MAGNESIUM DEPLETION; gitelman syndrome. Identifiers: Orphanet 358, MedGen C0268450, MONDO:0009904, OMIM 263800.

Submissions (4):

Nephrology, University of Crete, University General Hospital of Heraklion
Classification: Likely pathogenic for Familial hypokalemia-hypomagnesemia. Last evaluated: 2025-11-05. Review status: criteria provided, single submitter. Criteria: ACMG Guidelines, 2015. Collection method: clinical testing. Allele origin: unknown. Affected: yes.

Natera, Inc.
Classification: Pathogenic for Gitelman syndrome. Last evaluated: 2025-03-09. Review status: criteria provided, single submitter. Criteria: Natera Variant Classification Schema (03/2026). Collection method: clinical testing. Allele origin: germline.
Comment: The c.1805_1806del variant in SLC12A3 is a frameshift variant predicted to shift the reading frame beginning at codon 602 and leads to a stop codon 31 codons downstream. This variant is expected to result in nonsense mediated decay, truncation, or a dysfunctional protein product. This variant is rare in the general population with a frequency below the threshold expected for the associated phenotype(s). This variant has been observed in one or more individuals affected with the associated recessive disease, as either homozygous or compound heterozygous with a second variant (PMID: 15069170, 36938085). This variant has been found together with another disease-causing variant in the same copy of the gene (PMID: 25984200, 29403282, 37576796). Given the available evidence, this variant is classified as Pathogenic.

Labcorp Genetics (formerly Invitae), Labcorp
Classification: Pathogenic. Last evaluated: 2023-12-10. Review status: criteria provided, single submitter. Criteria: Invitae Variant Classification Sherloc (09022015). Collection method: clinical testing. Allele origin: germline.
Comment: This sequence change creates a premature translational stop signal (p.Tyr602Cysfs*31) in the SLC12A3 gene. It is expected to result in an absent or disrupted protein product. Loss-of-function variants in SLC12A3 are known to be pathogenic (PMID: 20848653, 22009145, 25841442). This variant is not present in population databases (gnomAD no frequency). This premature translational stop signal has been observed in individual(s) with Gitelman syndrome (PMID: 15069170). In at least one individual the data is consistent with being in trans (on the opposite chromosome) from a pathogenic variant. It has also been observed to segregate with disease in related individuals. ClinVar contains an entry for this variant (Variation ID: 1073479). For these reasons, this variant has been classified as Pathogenic.

Clinical Genetics Service, Universitary Hospital 12 de Octubre
Classification: Pathogenic for Familial hypokalemia-hypomagnesemia. Review status: criteria provided, single submitter. Criteria: ACMG Guidelines, 2015. Collection method: clinical testing. Allele origin: germline. Affected: yes.

Literature cited by the submitters: PubMed 15069170 (cited by Natera, Inc. and Labcorp Genetics (formerly Invitae), Labcorp); PubMed 36938085 (cited by Natera, Inc.); PubMed 25984200 (cited by Natera, Inc.); PubMed 29403282 (cited by Natera, Inc.); PubMed 37576796 (cited by Natera, Inc.); PubMed 20848653 (cited by Labcorp Genetics (formerly Invitae), Labcorp); PubMed 22009145 (cited by Labcorp Genetics (formerly Invitae), Labcorp); PubMed 25841442 (cited by Labcorp Genetics (formerly Invitae), Labcorp).